The following is an entry in ClinVar:

NM_015030.2(FRYL):c.3254G>T (p.Ser1085Ile)

Gene: FRYL (FRY like transcription coactivator; minus strand). Cytogenetic location: 4p11.
Variant type: single nucleotide variant.
Coding change: c.3254G>T on transcript NM_015030.2 (MANE Select); coding-DNA position 3254, G replaced by T.
Protein change: p.Ser1085Ile; replaces serine 1085 with isoleucine.
Molecular consequence: missense variant.
Genome position (GRCh38, 1-based): chr4:48,565,607, C>A on the plus strand (G>T on the coding strand, the complement: FRYL is on the minus strand). VCF-style: chr4-48565607-C-A. GRCh37 (hg19) VCF-style: chr4-48567624-C-A.
Other names: short protein forms S1085I.
Identifiers: ClinVar variation 3899083 (VCV003899083.1).
Genomic context (GRCh38, chr4:48,565,607, plus strand): 5'-TGATGTCTATTAATTTGCATATTTCTATCACTGTATCTGTCCAAGGGCGTAAACATGATG[C>A]TAAAAGGACCTGCCCAGTGACTGAACAGCATAAATAGACTGTGACGAAGGCTCTGTTGAG-3'
Protein context (NP_055845.1, residues 1075-1095): MLFSHWAGPF[Ser1085Ile]IMFTPLDRYS

ClinVar aggregate classification (germline): Uncertain significance (1 of 4 stars; one submission).

Submission:

GeneDx
Classification: Uncertain significance. Last evaluated: 2024-11-08. Review status: criteria provided, single submitter. Criteria: GeneDx Variant Classification Process June 2021. Collection method: clinical testing. Allele origin: germline. Affected: yes.
Comment: Not observed at significant frequency in large population cohorts (gnomAD); In silico analysis supports that this missense variant has a deleterious effect on protein structure/function; Has not been previously published as pathogenic or benign to our knowledge